The following is an entry in ClinVar:

ClinVar aggregate classification (germline): Uncertain significance. Review status: criteria provided, multiple submitters, no conflicts (2 of 4 stars). 2 submissions from 2 submitters: Uncertain significance (2). Last evaluated 2024-05-16.

Conditions:
Saldino-Mainzer syndrome (SRTD9). Also called: CONORENAL SYNDROME; SHORT-RIB THORACIC DYSPLASIA 9 WITHOUT POLYDACTYLY; short-rib thoracic dysplasia 9 with or without polydactyly; Renal dysplasia, retinal pigmentary dystrophy, cerebellar ataxia and skeletal dysplasia. Identifiers: Orphanet 140969, MedGen C1849437, MONDO:0009964, OMIM 266920.
Retinitis pigmentosa 80 (RP80). Identifiers: MedGen C4540439, MONDO:0054708, OMIM 617781.

Allele frequency attached by ClinVar (database versions not stated): gnomAD exomes below 0.00001 and 0.00001; ExAC 0.00001.
gnomAD v4.1: 2 of 1,604,440 alleles (0.00012%); highest among the groups gnomAD compares: South Asian, 0.0011%; no homozygotes.

Submissions (2):

Fulgent Genetics
Classification: Uncertain significance for Saldino-Mainzer syndrome; Retinitis pigmentosa 80. Last evaluated: 2024-05-16. Review status: criteria provided, single submitter. Criteria: ACMG Guidelines, 2015. Collection method: clinical testing. Allele origin: germline.

Labcorp Genetics (formerly Invitae), Labcorp
Classification: Uncertain significance for Saldino-Mainzer syndrome. Last evaluated: 2022-07-12. Review status: criteria provided, single submitter. Criteria: Invitae Variant Classification Sherloc (09022015). Collection method: clinical testing. Allele origin: germline.
Comment: This sequence change replaces glutamine, which is neutral and polar, with leucine, which is neutral and non-polar, at codon 1157 of the IFT140 protein (p.Gln1157Leu). This variant is present in population databases (rs772423904, gnomAD 0.003%). This variant has not been reported in the literature in individuals affected with IFT140-related conditions. ClinVar contains an entry for this variant (Variation ID: 954087). Algorithms developed to predict the effect of missense changes on protein structure and function are either unavailable or do not agree on the potential impact of this missense change (SIFT: "Tolerated"; PolyPhen-2: "Possibly Damaging"; Align-GVGD: "Class C0"). In summary, the available evidence is currently insufficient to determine the role of this variant in disease. Therefore, it has been classified as a Variant of Uncertain Significance.

NM_014714.4(IFT140):c.3470A>T (p.Gln1157Leu)

Gene: IFT140 (intraflagellar transport 140; minus strand). Cytogenetic location: 16p13.3.
Variant type: single nucleotide variant.
Coding change: c.3470A>T on transcript NM_014714.4 (MANE Select); coding-DNA position 3470, A replaced by T.
Protein change: p.Gln1157Leu; replaces glutamine 1157 with leucine.
Molecular consequence: missense variant.
Genome position (GRCh38, 1-based): chr16:1,520,792, T>A on the plus strand (A>T on the coding strand, the complement: IFT140 is on the minus strand). VCF-style: chr16-1520792-T-A. GRCh37 (hg19) VCF-style: chr16-1570793-T-A.
Other names: short protein forms Q1157L.
Identifiers: ClinVar variation 954087 (VCV000954087.11), dbSNP rs772423904, ClinGen allele CA7813137.